The following is an entry in ClinVar:

NM_000246.4(CIITA):c.139C>G (p.Leu47Val)

Gene: CIITA (class II major histocompatibility complex transactivator; plus strand). Cytogenetic location: 16p13.13.
Variant type: single nucleotide variant.
Coding change: c.139C>G on transcript NM_000246.4 (MANE Select); coding-DNA position 139, C replaced by G.
Protein change: p.Leu47Val; replaces leucine 47 with valine.
Molecular consequence: missense variant. On other transcripts: non-coding transcript variant (1).
Genome position (GRCh38, 1-based): chr16:10,895,368, C>G. VCF-style: chr16-10895368-C-G. GRCh37 (hg19) VCF-style: chr16-10989225-C-G.
Other names: c.139C>G, p.Leu47Val (NM_001286402.1, NM_001286403.2, NM_001379330.1 and 3 more transcripts); c.67C>G, p.Leu23Val (NM_001379334.1); short protein forms L23V, L47V.
Identifiers: ClinVar variation 1039084 (VCV001039084.6), dbSNP rs1247471372, ClinGen allele CA394725780.

ClinVar aggregate classification (germline): Uncertain significance (1 of 4 stars; one submission).

Conditions:
MHC class II deficiency. Also called: BLS, TYPE II; Bare lymphocyte syndrome 2. Identifiers: Orphanet 572, MedGen C5447452, MONDO:0008855.

Allele frequency attached by ClinVar (database versions not stated): TOPMed 0.00002.

Submission:

Labcorp Genetics (formerly Invitae), Labcorp
Classification: Uncertain significance for MHC class II deficiency. Last evaluated: 2021-09-01. Review status: criteria provided, single submitter. Criteria: Invitae Variant Classification Sherloc (09022015). Collection method: clinical testing. Allele origin: germline.
Comment: This sequence change replaces leucine with valine at codon 47 of the CIITA protein (p.Leu47Val). The leucine residue is moderately conserved and there is a small physicochemical difference between leucine and valine. This variant is not present in population databases (ExAC no frequency). This variant has not been reported in the literature in individuals affected with CIITA-related conditions. Algorithms developed to predict the effect of missense changes on protein structure and function are either unavailable or do not agree on the potential impact of this missense change (SIFT: "Deleterious"; PolyPhen-2: "Possibly Damaging"; Align-GVGD: "Class C0"). In summary, the available evidence is currently insufficient to determine the role of this variant in disease. Therefore, it has been classified as a Variant of Uncertain Significance.